The following is an entry in ClinVar:

NM_001374736.1(DST):c.19339A>G (p.Ile6447Val)

Gene: DST (dystonin; minus strand). Cytogenetic location: 6p12.1.
Variant type: single nucleotide variant.
Coding change: c.19339A>G on transcript NM_001374736.1 (MANE Select); coding-DNA position 19339, A replaced by G.
Protein change: p.Ile6447Val; replaces isoleucine 6447 with valine.
Molecular consequence: missense variant.
Genome position (GRCh38, 1-based): chr6:56,506,690, T>C on the plus strand (A>G on the coding strand, the complement: DST is on the minus strand). VCF-style: chr6-56506690-T-C. GRCh37 (hg19) VCF-style: chr6-56371488-T-C.
Other names: c.12982A>G, p.Ile4328Val (NM_001144769.5); c.12568A>G, p.Ile4190Val (NM_001144770.2); c.19339A>G, p.Ile6447Val (NM_001374722.1); c.18379A>G, p.Ile6127Val (NM_001374729.1); c.12121A>G, p.Ile4041Val (NM_001374730.1); c.19366A>G, p.Ile6456Val (NM_001374734.1); c.12448A>G, p.Ile4150Val (NM_001386100.1, NM_183380.4); c.11470A>G, p.Ile3824Val (NM_015548.5); short protein forms I4150V, I4190V, I6127V, I6456V, I4041V, I4328V, I3824V, I6447V.
Identifiers: ClinVar variation 1392331 (VCV001392331.6), dbSNP rs779879798, ClinGen allele CA364522629.

ClinVar aggregate classification (germline): Uncertain significance (1 of 4 stars; one submission).

Conditions:
Epidermolysis bullosa simplex 3, localized or generalized intermediate, with BP230 deficiency (EBS3). Also called: Epidermolysis bullosa simplex, autosomal recessive 2; Epidermolysis bullosa simplex due to BP230 deficiency. Identifiers: Orphanet 412181, MedGen C3809470, MONDO:0014180, OMIM 615425.
Hereditary sensory and autonomic neuropathy type 6. Also called: HSAN VI; Neuropathy, hereditary sensory and autonomic, type VI. Identifiers: Orphanet 314381, MedGen C3539003, MONDO:0013839, OMIM 614653.

gnomAD v4.1: 1 of 1,613,644 alleles (0.000062%); no homozygotes.

Submission:

Labcorp Genetics (formerly Invitae), Labcorp
Classification: Uncertain significance for Epidermolysis bullosa simplex 3, localized or generalized intermediate, with BP230 deficiency; Hereditary sensory and autonomic neuropathy type 6. Last evaluated: 2020-10-30. Review status: criteria provided, single submitter. Criteria: Invitae Variant Classification Sherloc (09022015). Collection method: clinical testing. Allele origin: germline.
Comment: In summary, the available evidence is currently insufficient to determine the role of this variant in disease. Therefore, it has been classified as a Variant of Uncertain Significance. Experimental studies and prediction algorithms are not available or were not evaluated, and the functional significance of this variant is currently unknown. This variant has not been reported in the literature in individuals with DST-related conditions. This variant is not present in population databases (ExAC no frequency). This sequence change replaces isoleucine with valine at codon 3824 of the DST protein (p.Ile3824Val). The DST gene has multiple clinically relevant transcripts. This variant occurs in alternate transcript NM_015548.4, and corresponds to NM_001723.5:c.*108827A>G in the primary transcript.